The following is an entry in ClinVar:

NM_003482.4(KMT2D):c.14765C>A (p.Ala4922Glu)

Gene: KMT2D (lysine methyltransferase 2D; minus strand). Cytogenetic location: 12q13.12.
Variant type: single nucleotide variant.
Coding change: c.14765C>A on transcript NM_003482.4 (MANE Select); coding-DNA position 14765, C replaced by A.
Protein change: p.Ala4922Glu; replaces alanine 4922 with glutamic acid.
Molecular consequence: missense variant.
Genome position (GRCh38, 1-based): chr12:49,027,201, G>T on the plus strand (C>A on the coding strand, the complement: KMT2D is on the minus strand). VCF-style: chr12-49027201-G-T. GRCh37 (hg19) VCF-style: chr12-49420984-G-T.
Other names: short protein forms A4922E.
Identifiers: ClinVar variation 1347662 (VCV001347662.8), dbSNP rs770123097, ClinGen allele CA384691840.
Genomic context (GRCh38, chr12:49,027,201, plus strand): 5'-GCCAAGGGTTCGGTGGGAAGTTCAACCAAGGGCTCAGTAGGGGGACTGGCAGGAGAAGGT[G>T]CCAAGGGGGAAGGGGGCGGGGAGGGTTCTTCAGGAGGTGGGGCCGAGAGCTGTCGCACAT-3'
Protein context (NP_003473.3, residues 4912-4932): EEPSPPPSPL[Ala4922Glu]PSPASPPTEP

ClinVar aggregate classification (germline): Uncertain significance (1 of 4 stars; one submission).

Conditions:
Kabuki syndrome. Also called: NIIKAWA-KUROKI SYNDROME; Kabuki make-up syndrome. Identifiers: Orphanet 2322, MedGen C0796004, MONDO:0016512.

gnomAD v4.1: 1 of 1,511,662 alleles (0.000066%); highest among the groups gnomAD compares: Non-Finnish European, 0.000089%; no homozygotes.

Submission:

Labcorp Genetics (formerly Invitae), Labcorp
Classification: Uncertain significance for Kabuki syndrome. Last evaluated: 2025-07-05. Review status: criteria provided, single submitter. Criteria: Invitae Variant Classification Sherloc (09022015). Collection method: clinical testing. Allele origin: germline.
Comment: This sequence change replaces alanine, which is neutral and non-polar, with glutamic acid, which is acidic and polar, at codon 4922 of the KMT2D protein (p.Ala4922Glu). This variant is not present in population databases (gnomAD no frequency). This variant has not been reported in the literature in individuals affected with KMT2D-related conditions. ClinVar contains an entry for this variant (Variation ID: 1347662). Invitae Evidence Modeling of protein sequence and biophysical properties (such as structural, functional, and spatial information, amino acid conservation, physicochemical variation, residue mobility, and thermodynamic stability) indicates that this missense variant is not expected to disrupt KMT2D protein function with a negative predictive value of 95%. In summary, the available evidence is currently insufficient to determine the role of this variant in disease. Therefore, it has been classified as a Variant of Uncertain Significance.